The following is an entry in ClinVar:

ClinVar aggregate classification (germline): Pathogenic (1 of 4 stars; one submission).

Conditions:
Osteogenesis imperfecta type I (OI1). Also called: OI, TYPE I; OSTEOGENESIS IMPERFECTA TARDA; OSTEOGENESIS IMPERFECTA WITH BLUE SCLERAE; Osteogenesis imperfecta type 1; Lobstein's Disease; Lobstein disease. Identifiers: Orphanet 216796, Orphanet 666, MedGen C0023931, MONDO:0008146, OMIM 166200. Disease mechanism: loss of function.

Submission:

Labcorp Genetics (formerly Invitae), Labcorp
Classification: Pathogenic for Osteogenesis imperfecta type I. Last evaluated: 2024-09-23. Review status: criteria provided, single submitter. Criteria: Invitae Variant Classification Sherloc (09022015). Collection method: clinical testing. Allele origin: germline.
Comment: This sequence change creates a premature translational stop signal (p.Gly1163Trpfs*11) in the COL1A1 gene. It is expected to result in an absent or disrupted protein product. Loss-of-function variants in COL1A1 are known to be pathogenic (PMID: 7942841, 9295084, 9443882). This variant is not present in population databases (gnomAD no frequency). This variant has not been reported in the literature in individuals affected with COL1A1-related conditions. Algorithms developed to predict the effect of sequence changes on RNA splicing suggest that this variant may disrupt the consensus splice site. For these reasons, this variant has been classified as Pathogenic.

Literature cited by the submitters: PubMed 7942841; PubMed 9295084; PubMed 9443882.

NM_000088.4(COL1A1):c.3486dup (p.Gly1163fs)

Gene: COL1A1 (collagen type I alpha 1 chain; minus strand). Cytogenetic location: 17q21.33.
Variant type: Duplication.
Coding change: c.3486dup on transcript NM_000088.4 (MANE Select); coding-DNA position 3486, one base duplicated (T; older notation c.3486dupT).
Protein change: p.Gly1163fs; shifts the reading frame from glycine 1163.
Molecular consequence: frameshift variant.
Genome position (GRCh38, 1-based): chr17:50,187,060, A duplicated on the plus strand (T on the coding strand, the reverse complement: COL1A1 is on the minus strand); the first of 2 consecutive A bases (chr17:50,187,060-50,187,061); duplicating either gives the same sequence. VCF-style (leftmost placement, unchanged base first): chr17-50187059-C-CA. GRCh37 (hg19) VCF-style: chr17-48264420-C-CA.
Other names: short protein forms G1163fs.
Identifiers: ClinVar variation 3721397 (VCV003721397.2).